The following is an entry in ClinVar:

NM_001127222.2(CACNA1A):c.4950+96A>C

Gene: CACNA1A (calcium voltage-gated channel subunit alpha1 A; minus strand). Cytogenetic location: 19p13.13.
Variant type: single nucleotide variant.
Coding change: c.4950+96A>C on transcript NM_001127222.2 (MANE Select); 96 bases into the intron after coding-DNA position 4950, A replaced by C.
Molecular consequence: intron variant.
Genome position (GRCh38, 1-based): chr19:13,245,086, T>G on the plus strand (A>C on the coding strand, the complement: CACNA1A is on the minus strand). VCF-style: chr19-13245086-T-G. GRCh37 (hg19) VCF-style: chr19-13355900-T-G.
Other names: c.4953+96A>C (NM_001127221.2, NM_001174080.2); c.4962+96A>C (NM_000068.4, NM_023035.3).
Identifiers: ClinVar variation 1192599 (VCV001192599.8), dbSNP rs16039, ClinGen allele CA14697543.
Genomic context (GRCh38, chr19:13,245,086, plus strand): 5'-CCGGGGCCCCAGTTCTCCCTCTCTGGTCATGGCCAAGTGCTGGCTCAAGCAGCTATGGCT[T>G]CCGGGACACACTGCCTCTGGGACCGCTCCCCCGCCCCCTGCCGCCTGCCTCGTCCAGCCC-3'

ClinVar aggregate classification (germline): Benign. Review status: criteria provided, multiple submitters, no conflicts (2 of 4 stars). 7 submissions from 4 submitters: Benign (7). Last evaluated 2024-07-15.

Conditions:
Episodic ataxia type 2 (EA2). Also called: ACETAZOLAMIDE-RESPONSIVE HEREDITARY PAROXYSMAL CEREBELLAR ATAXIA; EPISODIC ATAXIA, NYSTAGMUS-ASSOCIATED; ATAXIA, EPISODIC, WITH NYSTAGMUS; ATAXIA, FAMILIAL PAROXYSMAL; CEREBELLAR ATAXIA, PAROXYSMAL, ACETAZOLAMIDE-RESPONSIVE; CEREBELLOPATHY, HEREDITARY PAROXYSMAL. Identifiers: Orphanet 97, MedGen C1720416, MONDO:0007163, OMIM 108500.
Migraine, familial hemiplegic, 1. Also called: MIGRAINE, FAMILIAL HEMIPLEGIC 1, WITH PROGRESSIVE CEREBELLAR ATAXIA. Identifiers: Orphanet 569, MedGen C1832884, MONDO:0020756, OMIM 141500, MONDO:0007714.
Developmental and epileptic encephalopathy, 42 (DEE42A). Also called: DEVELOPMENTAL AND EPILEPTIC ENCEPHALOPATHY 42A; EPILEPTIC ENCEPHALOPATHY, EARLY INFANTILE, 42A; Epileptic encephalopathy, early infantile, 42. Identifiers: MedGen C4310716, MONDO:0014917, OMIM 617106.
Spinocerebellar ataxia type 6 (SCA6). Identifiers: Orphanet 98758, MedGen C0752124, MONDO:0008457, OMIM 183086.

Allele frequency attached by ClinVar (database versions not stated): TOPMed 0.97641; gnomAD 0.97758 and 0.97848; 1000 Genomes Project 30x 0.98595; 1000 Genomes Project 0.98782.
gnomAD v4.1: 991,381 of 1,017,918 alleles (97%); highest among the groups gnomAD compares: East Asian, 100%; 482,860 homozygotes.

Submissions (7):

Unidad de Genómica Garrahan, Hospital de Pediatría Garrahan
Classification: Benign. Last evaluated: 2024-07-15. Review status: criteria provided, single submitter. Criteria: ACMG Guidelines, 2015. Collection method: clinical testing. Allele origin: germline. Affected: no. Observed: 55 variant alleles.
Comment: This variant is classified as Benign based on local population frequency. This variant was detected in 59% of patients studied in a panel designed for Epileptic and Developmental Encephalopathy and Progressive Myoclonus Epilepsy. Number of patients: 55. Only high quality variants are reported.

Genome-Nilou Lab
Classification: Benign for Developmental and epileptic encephalopathy, 42. Last evaluated: 2021-07-14. Review status: criteria provided, single submitter. Criteria: ACMG Guidelines, 2015. Collection method: clinical testing. Allele origin: germline. Affected: no.

Genome-Nilou Lab
Classification: Benign for Episodic ataxia type 2. Last evaluated: 2021-07-14. Review status: criteria provided, single submitter. Criteria: ACMG Guidelines, 2015. Collection method: clinical testing. Allele origin: germline. Affected: no.

Genome-Nilou Lab
Classification: Benign for Migraine, familial hemiplegic, 1. Last evaluated: 2021-07-14. Review status: criteria provided, single submitter. Criteria: ACMG Guidelines, 2015. Collection method: clinical testing. Allele origin: germline. Affected: no.

Genome-Nilou Lab
Classification: Benign for Spinocerebellar ataxia type 6. Last evaluated: 2021-07-14. Review status: criteria provided, single submitter. Criteria: ACMG Guidelines, 2015. Collection method: clinical testing. Allele origin: germline. Affected: no.

GeneDx
Classification: Benign. Last evaluated: 2018-06-25. Review status: criteria provided, single submitter. Criteria: GeneDx Variant Classification Process June 2021. Collection method: clinical testing. Allele origin: germline. Affected: yes.

Breakthrough Genomics
Classification: Benign. Review status: criteria provided, single submitter. Criteria: ACMG Guidelines, 2015. Collection method: not provided. Allele origin: germline. Inheritance: Autosomal dominant inheritance. Affected: yes.